The following is an entry in ClinVar:

NM_177438.3(DICER1):c.1241A>C (p.Asp414Ala)

Gene: DICER1 (dicer 1, ribonuclease III; minus strand). Cytogenetic location: 14q32.13.
Variant type: single nucleotide variant.
Coding change: c.1241A>C on transcript NM_177438.3 (MANE Select); coding-DNA position 1241, A replaced by C.
Protein change: p.Asp414Ala; replaces aspartic acid 414 with alanine.
Molecular consequence: missense variant. On other transcripts: 5 prime UTR variant (1), non-coding transcript variant (6).
Genome position (GRCh38, 1-based): chr14:95,124,331, T>G on the plus strand (A>C on the coding strand, the complement: DICER1 is on the minus strand). VCF-style: chr14-95124331-T-G. GRCh37 (hg19) VCF-style: chr14-95590668-T-G.
Other names: c.1241A>C, p.Asp414Ala (NM_001195573.1, NM_001271282.3, NM_001291628.2 and 15 more transcripts); c.959A>C, p.Asp320Ala (NM_001395686.1); c.836A>C, p.Asp279Ala (NM_001395687.1, NM_001395688.1, NM_001395689.1 and 3 more transcripts); c.674A>C, p.Asp225Ala (NM_001395691.1); c.-328A>C (NM_001395697.1); short protein forms D225A, D279A, D320A, D414A.
Identifiers: ClinVar variation 1717031 (VCV001717031.6), dbSNP rs1344560237, ClinGen allele CA390886544.

ClinVar aggregate classification (germline): Uncertain significance (1 of 4 stars; one submission).

Conditions:
DICER1-related tumor predisposition. Also called: DICER1 syndrome; DICER1-related pleuropulmonary blastoma cancer predisposition syndrome. Identifiers: Orphanet 284343, MedGen C3839822, MONDO:0100216.

Submission:

Labcorp Genetics (formerly Invitae), Labcorp
Classification: Uncertain significance for DICER1-related tumor predisposition. Last evaluated: 2022-08-20. Review status: criteria provided, single submitter. Criteria: Invitae Variant Classification Sherloc (09022015). Collection method: clinical testing. Allele origin: germline.
Comment: This variant is not present in population databases (gnomAD no frequency). In summary, the available evidence is currently insufficient to determine the role of this variant in disease. Therefore, it has been classified as a Variant of Uncertain Significance. Algorithms developed to predict the effect of missense changes on protein structure and function are either unavailable or do not agree on the potential impact of this missense change (SIFT: "Deleterious"; PolyPhen-2: "Probably Damaging"; Align-GVGD: "Class C0"). This variant has not been reported in the literature in individuals affected with DICER1-related conditions. This sequence change replaces aspartic acid, which is acidic and polar, with alanine, which is neutral and non-polar, at codon 414 of the DICER1 protein (p.Asp414Ala).